The following is an entry in ClinVar:

ClinVar aggregate classification (germline): Uncertain significance (1 of 4 stars; one submission).

Conditions:
Dyskeratosis congenita, autosomal dominant 2. Identifiers: MedGen C3151443, MONDO:0013521, OMIM 613989.
Idiopathic Pulmonary Fibrosis. Also called: Idiopathic fibrosing alveolitis, chronic form; idiopathic fibrosing alveolitis. Identifiers: Orphanet 2032, MedGen C1800706, MeSH D054990, MONDO:0800504.

Submission:

Labcorp Genetics (formerly Invitae), Labcorp
Classification: Uncertain significance for Dyskeratosis congenita, autosomal dominant 2; Idiopathic Pulmonary Fibrosis. Last evaluated: 2024-08-20. Review status: criteria provided, single submitter. Criteria: Invitae Variant Classification Sherloc (09022015). Collection method: clinical testing. Allele origin: germline.
Comment: This sequence change replaces glycine, which is neutral and non-polar, with arginine, which is basic and polar, at codon 133 of the TERT protein (p.Gly133Arg). This variant is not present in population databases (gnomAD no frequency). This variant has not been reported in the literature in individuals affected with TERT-related conditions. Invitae Evidence Modeling of protein sequence and biophysical properties (such as structural, functional, and spatial information, amino acid conservation, physicochemical variation, residue mobility, and thermodynamic stability) indicates that this missense variant is expected to disrupt TERT protein function with a positive predictive value of 95%. In summary, the available evidence is currently insufficient to determine the role of this variant in disease. Therefore, it has been classified as a Variant of Uncertain Significance.

NM_198253.3(TERT):c.397G>A (p.Gly133Arg)

Gene: TERT (telomerase reverse transcriptase; minus strand). Cytogenetic location: 5p15.33.
Variant type: single nucleotide variant.
Coding change: c.397G>A on transcript NM_198253.3 (MANE Select); coding-DNA position 397, G replaced by A.
Protein change: p.Gly133Arg; replaces glycine 133 with arginine.
Molecular consequence: missense variant. On other transcripts: non-coding transcript variant (2).
Genome position (GRCh38, 1-based): chr5:1,294,489, C>T on the plus strand (G>A on the coding strand, the complement: TERT is on the minus strand). VCF-style: chr5-1294489-C-T. GRCh37 (hg19) VCF-style: chr5-1294604-C-T.
Other names: c.397G>A, p.Gly133Arg (NM_001193376.3); short protein forms G133R.
Identifiers: ClinVar variation 3757779 (VCV003757779.2).